The following is an entry in ClinVar:

NM_001356.5(DDX3X):c.1432_1433del (p.Arg478fs)

Gene: DDX3X (DEAD-box helicase 3 X-linked; plus strand). Cytogenetic location: Xp11.4.
Variant type: Microsatellite.
Coding change: c.1432_1433del on transcript NM_001356.5 (MANE Select); coding-DNA positions 1432 to 1433, 2 bases deleted (AG; older notation c.1432_1433delAG).
Protein change: p.Arg478fs; shifts the reading frame from arginine 478.
Molecular consequence: frameshift variant. On other transcripts: non-coding transcript variant (1).
Genome position (GRCh38, 1-based): chrX:41,346,345-41,346,346, AG deleted; deleting any 2 consecutive bases within chrX:41,346,343-41,346,346 gives the same sequence; the c. name uses the placement nearest the transcript's 3' end. VCF-style (leftmost placement, unchanged base first): chrX-41346342-CAG-C. GRCh37 (hg19) VCF-style: chrX-41205595-CAG-C.
Other names: c.1432_1433del, p.Arg478fs (NM_001193416.3); c.1384_1385del, p.Arg462fs (NM_001193417.3); c.874_875del, p.Arg292fs (NM_001363819.1); short protein forms R478fs, R292fs, R462fs.
Identifiers: ClinVar variation 2124062 (VCV002124062.4), dbSNP rs2519523215, ClinGen allele CA2580617000.

ClinVar aggregate classification (germline): Pathogenic (1 of 4 stars; one submission).

Submission:

Labcorp Genetics (formerly Invitae), Labcorp
Classification: Pathogenic. Last evaluated: 2022-04-10. Review status: criteria provided, single submitter. Criteria: Invitae Variant Classification Sherloc (09022015). Collection method: clinical testing. Allele origin: germline.
Comment: For these reasons, this variant has been classified as Pathogenic. This variant has not been reported in the literature in individuals affected with DDX3X-related conditions. This variant is not present in population databases (gnomAD no frequency). This sequence change creates a premature translational stop signal (p.Arg478Glyfs*2) in the DDX3X gene. It is expected to result in an absent or disrupted protein product. Loss-of-function variants in DDX3X are known to be pathogenic (PMID: 26235985).

Literature cited by the submitters: PubMed 26235985.